The following is an entry in ClinVar:

ClinVar aggregate classification (germline): Uncertain significance. Review status: criteria provided, multiple submitters, no conflicts (2 of 4 stars). 2 submissions from 2 submitters: Uncertain significance (2). Last evaluated 2024-03-28.

Conditions:
Periventricular heterotopia with microcephaly, autosomal recessive (ARPHM). Also called: Periventricular heterotopia with microcephaly; PERIVENTRICULAR NODULAR HETEROTOPIA 2. Identifiers: Orphanet 2149, MedGen C1842563, MONDO:0011966, OMIM 608097.

Allele frequency attached by ClinVar (database versions not stated): gnomAD exomes below 0.00001; gnomAD 0.00001; TOPMed 0.00001.
gnomAD v4.1: 6 of 1,614,068 alleles (0.00037%); highest among the groups gnomAD compares: East Asian, 0.0045%; no homozygotes.

Submissions (2):

GeneDx
Classification: Uncertain significance. Last evaluated: 2024-03-28. Review status: criteria provided, single submitter. Criteria: GeneDx Variant Classification Process June 2021. Collection method: clinical testing. Allele origin: germline. Affected: yes.
Comment: Not observed at significant frequency in large population cohorts (gnomAD); In silico analysis supports that this missense variant does not alter protein structure/function; Has not been previously published as pathogenic or benign to our knowledge

Baylor Genetics
Classification: Uncertain significance for Periventricular heterotopia with microcephaly, autosomal recessive. Last evaluated: 2018-02-06. Review status: criteria provided, single submitter. Criteria: ACMG Guidelines, 2015. Collection method: clinical testing. Allele origin: paternal. Affected: yes.
Comment: This variant was determined to be of uncertain significance according to ACMG Guidelines, 2015 [PMID:25741868].

NM_006420.3(ARFGEF2):c.1105G>A (p.Val369Ile)

Gene: ARFGEF2 (ARF guanine nucleotide exchange factor 2; plus strand). Cytogenetic location: 20q13.13.
Variant type: single nucleotide variant.
Coding change: c.1105G>A on transcript NM_006420.3 (MANE Select); coding-DNA position 1105, G replaced by A.
Protein change: p.Val369Ile; replaces valine 369 with isoleucine.
Molecular consequence: missense variant.
Genome position (GRCh38, 1-based): chr20:48,969,192, G>A. VCF-style: chr20-48969192-G-A. GRCh37 (hg19) VCF-style: chr20-47585729-G-A.
Other names: short protein forms V369I.
Identifiers: ClinVar variation 1033101 (VCV001033101.2), dbSNP rs752769332, ClinGen allele CA315912018.